The following is an entry in ClinVar:

ClinVar aggregate classification (germline): Uncertain significance. Review status: criteria provided, multiple submitters, no conflicts (2 of 4 stars). 2 submissions from 2 submitters: Uncertain significance (2). Last evaluated 2026-01-27.

Conditions:
Alstrom syndrome (ALMS). Identifiers: Orphanet 64, MedGen C0268425, MONDO:0008763, OMIM 203800.

gnomAD v4.1: 2 of 1,613,714 alleles (0.00012%); highest among the groups gnomAD compares: Admixed American, 0.0017%; no homozygotes.

Submissions (2):

GeneDx
Classification: Uncertain significance. Last evaluated: 2026-01-27. Review status: criteria provided, single submitter. Criteria: GeneDx Variant Classification Process June 2021. Collection method: clinical testing. Allele origin: germline.
Comment: Not observed at significant frequency in large population cohorts (gnomAD); In silico analysis suggests that this missense variant does not alter protein structure/function; Has not been previously published as pathogenic or benign to our knowledge

Labcorp Genetics (formerly Invitae), Labcorp
Classification: Uncertain significance for Alstrom syndrome. Last evaluated: 2026-01-19. Review status: criteria provided, single submitter. Criteria: Invitae Variant Classification Sherloc (09022015). Collection method: clinical testing. Allele origin: germline.
Comment: This sequence change replaces lysine, which is basic and polar, with threonine, which is neutral and polar, at codon 1785 of the ALMS1 protein (p.Lys1785Thr). This variant is present in population databases (no rsID available, gnomAD 0.006%). This variant has not been reported in the literature in individuals affected with ALMS1-related conditions. ClinVar contains an entry for this variant (Variation ID: 3903250). Experimental studies and prediction algorithms are not available or were not evaluated, and the functional significance of this variant is currently unknown. In summary, the available evidence is currently insufficient to determine the role of this variant in disease. Therefore, it has been classified as a Variant of Uncertain Significance.

NM_001378454.1(ALMS1):c.5351A>C (p.Lys1784Thr)

Gene: ALMS1 (ALMS1 centrosome and basal body associated protein; plus strand). Cytogenetic location: 2p13.1.
Variant type: single nucleotide variant.
Coding change: c.5351A>C on transcript NM_001378454.1 (MANE Select); coding-DNA position 5351, A replaced by C.
Protein change: p.Lys1784Thr; replaces lysine 1784 with threonine.
Molecular consequence: missense variant.
Genome position (GRCh38, 1-based): chr2:73,451,878, A>C. VCF-style: chr2-73451878-A-C. GRCh37 (hg19) VCF-style: chr2-73679005-A-C.
Other names: c.5354A>C, p.Lys1785Thr (NM_015120.4); short protein forms K1784T, K1785T.
Identifiers: ClinVar variation 3903250 (VCV003903250.3).
Genomic context (GRCh38, chr2:73,451,878, plus strand): 5'-AGCCTAATATTTCTTACCAGCAAGAGTTGCCAGATAGTCATCTAACTGAAGAGGCTCTGA[A>C]AGTTTCAAATGTTCCTGGACCAGCTGACCAGAAGACTGGGGTATCAACAGTAACCTCTAC-3'
Protein context (NP_001365383.1, residues 1774-1794): PDSHLTEEAL[Lys1784Thr]VSNVPGPADQ